The following is an entry in ClinVar:

ClinVar aggregate classification (germline): Uncertain significance (1 of 4 stars; one submission).

Conditions:
Congenital contractural arachnodactyly (CCA). Also called: Arthrogryposis, distal, type 9; BEALS SYNDROME; Beals-Hecht syndrome. Identifiers: Orphanet 115, MedGen C0220668, MONDO:0007363, OMIM 121050.

Submission:

Labcorp Genetics (formerly Invitae), Labcorp
Classification: Uncertain significance for Congenital contractural arachnodactyly. Last evaluated: 2026-01-08. Review status: criteria provided, single submitter. Criteria: Invitae Variant Classification Sherloc (09022015). Collection method: clinical testing. Allele origin: germline.
Comment: This sequence change replaces tyrosine, which is neutral and polar, with histidine, which is basic and polar, at codon 1630 of the FBN2 protein (p.Tyr1630His). This variant is not present in population databases (gnomAD no frequency). This variant has not been reported in the literature in individuals affected with FBN2-related conditions. Invitae Evidence Modeling of protein sequence and biophysical properties (such as structural, functional, and spatial information, amino acid conservation, physicochemical variation, residue mobility, and thermodynamic stability) has been performed for this missense variant. However, the output from this modeling did not meet the statistical confidence thresholds required to predict the impact of this variant on FBN2 protein function. In summary, the available evidence is currently insufficient to determine the role of this variant in disease. Therefore, it has been classified as a Variant of Uncertain Significance.

NM_001999.4(FBN2):c.4888T>C (p.Tyr1630His)

Gene: FBN2 (fibrillin 2; minus strand). Cytogenetic location: 5q23.3.
Variant type: single nucleotide variant.
Coding change: c.4888T>C on transcript NM_001999.4 (MANE Select); coding-DNA position 4888, T replaced by C.
Protein change: p.Tyr1630His; replaces tyrosine 1630 with histidine.
Molecular consequence: missense variant.
Genome position (GRCh38, 1-based): chr5:128,311,945, A>G on the plus strand (T>C on the coding strand, the complement: FBN2 is on the minus strand). VCF-style: chr5-128311945-A-G. GRCh37 (hg19) VCF-style: chr5-127647637-A-G.
Other names: short protein forms Y1630H.
Identifiers: ClinVar variation 4717169 (VCV004717169.1).